The following is an entry in ClinVar:

ClinVar aggregate classification (germline): Uncertain significance. Review status: criteria provided, multiple submitters, no conflicts (2 of 4 stars). 3 submissions from 3 submitters: Uncertain significance (3). Last evaluated 2026-09-15.

Conditions:
TOPORS-related disorder. Also called: TOPORS-related condition.
Inborn genetic diseases. Identifiers: MedGen C0950123, MeSH D030342.

Allele frequency attached by ClinVar (database versions not stated): gnomAD exomes below 0.00001 and 0.00001; ExAC 0.00001; TOPMed 0.00002.

Submissions (3):

PreventionGenetics, part of Exact Sciences
Classification: Uncertain significance for TOPORS-related condition. Last evaluated: 2026-09-15. Review status: criteria provided, single submitter. Criteria: ACMG Guidelines, 2015. Collection method: clinical testing. Allele origin: germline.
Comment: The TOPORS c.1646A>G variant is predicted to result in the amino acid substitution p.His549Arg. To our knowledge, this variant has not been reported in the literature. This variant is present in 0.0058% of alleles in individuals of Latino descent in gnomAD. At this time, the clinical significance of this variant is uncertain due to the absence of conclusive functional and genetic evidence.

Ambry Genetics
Classification: Uncertain significance for Inborn genetic diseases. Last evaluated: 2025-03-25. Review status: criteria provided, single submitter. Criteria: Ambry Variant Classification Scheme 2023. Collection method: clinical testing. Allele origin: germline.

Labcorp Genetics (formerly Invitae), Labcorp
Classification: Uncertain significance. Last evaluated: 2024-02-17. Review status: criteria provided, single submitter. Criteria: Invitae Variant Classification Sherloc (09022015). Collection method: clinical testing. Allele origin: germline.
Comment: This sequence change replaces histidine, which is basic and polar, with arginine, which is basic and polar, at codon 549 of the TOPORS protein (p.His549Arg). This variant is present in population databases (rs776136556, gnomAD 0.006%). This variant has not been reported in the literature in individuals affected with TOPORS-related conditions. ClinVar contains an entry for this variant (Variation ID: 1014394). Algorithms developed to predict the effect of missense changes on protein structure and function output the following: SIFT: "Not Available"; PolyPhen-2: "Benign"; Align-GVGD: "Not Available". The arginine amino acid residue is found in multiple mammalian species, which suggests that this missense change does not adversely affect protein function. In summary, the available evidence is currently insufficient to determine the role of this variant in disease. Therefore, it has been classified as a Variant of Uncertain Significance.

NM_005802.5(TOPORS):c.1646A>G (p.His549Arg)

Gene: TOPORS (TOP1 binding arginine/serine rich protein, E3 ubiquitin ligase; minus strand). Cytogenetic location: 9p21.1.
Variant type: single nucleotide variant.
Coding change: c.1646A>G on transcript NM_005802.5 (MANE Select); coding-DNA position 1646, A replaced by G.
Protein change: p.His549Arg; replaces histidine 549 with arginine.
Molecular consequence: missense variant.
Genome position (GRCh38, 1-based): chr9:32,542,879, T>C on the plus strand (A>G on the coding strand, the complement: TOPORS is on the minus strand). VCF-style: chr9-32542879-T-C. GRCh37 (hg19) VCF-style: chr9-32542877-T-C.
Other names: c.1451A>G, p.His484Arg (NM_001195622.2); c.1646A>G (NM_005802.4); short protein forms H484R, H549R.
Identifiers: ClinVar variation 1014394 (VCV001014394.10), dbSNP rs776136556, ClinGen allele CA5020497.
Genomic context (GRCh38, chr9:32,542,879, plus strand): 5'-GACAATGATGTAGATCGTTTCTCTTCCTTCTTTGATTTGATTCTTGTACTAGAATCACAA[T>C]GACCTTTATTTATTTGTTCATCCTTTCCAAGGACAGAGTGTGGAGATGAGCATCTACTAA-3'
Protein context (NP_005793.2, residues 539-559): LGKDEQINKG[His549Arg]CDSSTRIKSK